The following is an entry in ClinVar:

ClinVar aggregate classification (germline): Uncertain significance (1 of 4 stars; one submission).

Conditions:
Hereditary cancer-predisposing syndrome. Also called: Hereditary neoplastic syndrome; Tumor predisposition; Hereditary Cancer Syndrome; Neoplastic Syndromes, Hereditary. Identifiers: Orphanet 140162, MedGen C0027672, MeSH D009386, MONDO:0015356.

Submission:

Ambry Genetics
Classification: Uncertain significance for Hereditary cancer-predisposing syndrome. Last evaluated: 2023-07-12. Review status: criteria provided, single submitter. Criteria: Ambry Variant Classification Scheme 2023. Collection method: clinical testing. Allele origin: germline.
Comment: The p.L1282V variant (also known as c.3844T>G), located in coding exon 19 of the BLM gene, results from a T to G substitution at nucleotide position 3844. The leucine at codon 1282 is replaced by valine, an amino acid with highly similar properties. This amino acid position is conserved. In addition, the in silico prediction for this alteration is inconclusive. Since supporting evidence is limited at this time, the clinical significance of this alteration remains unclear.

NM_000057.4(BLM):c.3844T>G (p.Leu1282Val)

Gene: BLM (BLM RecQ like helicase; plus strand). Cytogenetic location: 15q26.1.
Variant type: single nucleotide variant.
Coding change: c.3844T>G on transcript NM_000057.4 (MANE Select); coding-DNA position 3844, T replaced by G.
Protein change: p.Leu1282Val; replaces leucine 1282 with valine.
Molecular consequence: missense variant.
Genome position (GRCh38, 1-based): chr15:90,809,229, T>G. VCF-style: chr15-90809229-T-G. GRCh37 (hg19) VCF-style: chr15-91352459-T-G.
Other names: c.3844T>G, p.Leu1282Val (NM_001287246.2); c.3451T>G, p.Leu1151Val (NM_001287247.2); c.2719T>G, p.Leu907Val (NM_001287248.2); short protein forms L907V, L1151V, L1282V.
Identifiers: ClinVar variation 2586881 (VCV002586881.2), dbSNP rs2505561766, ClinGen allele CA393849783.